The following is an entry in ClinVar:

NM_002055.5(GFAP):c.363_371dup (p.Arg124_Leu125insGluLeuArg)

Gene: GFAP (glial fibrillary acidic protein; minus strand). Cytogenetic location: 17q21.31.
Variant type: Duplication.
Coding change: c.363_371dup on transcript NM_002055.5 (MANE Select); coding-DNA positions 363 to 371, 9 bases duplicated (AGAGCTGCG; older notation c.363_371dupAGAGCTGCG).
Protein change: p.Arg124_Leu125insGluLeuArg.
Molecular consequence: inframe insertion.
Genome position (GRCh38, 1-based): chr17:44,915,116-44,915,124, CGCAGCTCT duplicated on the plus strand (AGAGCTGCG on the coding strand, the reverse complement: GFAP is on the minus strand); duplicating any 9 consecutive bases within chr17:44,915,116-44,915,132 gives the same sequence; the c. name uses the placement nearest the transcript's 3' end. VCF-style (leftmost placement, unchanged base first): chr17-44915115-C-CCGCAGCTCT. GRCh37 (hg19) VCF-style: chr17-42992483-C-CCGCAGCTCT.
Other names: c.363_371dup, p.Arg124_Leu125insGluLeuArg (NM_001131019.3, NM_001242376.3, NM_001363846.2).
Identifiers: ClinVar variation 1807550 (VCV001807550.6), dbSNP rs2508948877, ClinGen allele CA2580094091.

ClinVar aggregate classification (germline): Uncertain significance. Review status: criteria provided, multiple submitters, no conflicts (2 of 4 stars). 3 submissions from 3 submitters: Uncertain significance (3). Last evaluated 2023-10-25.

Submissions (3):

GeneDx
Classification: Uncertain significance. Last evaluated: 2023-10-25. Review status: criteria provided, single submitter. Criteria: GeneDx Variant Classification Process June 2021. Collection method: clinical testing. Allele origin: germline. Affected: yes.
Comment: In-frame duplication of 3 amino acids in a non-repeat region; Not observed at significant frequency in large population cohorts (gnomAD); Has not been previously published as pathogenic or benign to our knowledge

Athena Diagnostics
Classification: Uncertain significance. Last evaluated: 2022-08-29. Review status: criteria provided, single submitter. Criteria: Athena Diagnostics Criteria. Collection method: clinical testing. Allele origin: unknown.

Labcorp Genetics (formerly Invitae), Labcorp
Classification: Uncertain significance. Last evaluated: 2022-07-11. Review status: criteria provided, single submitter. Criteria: Invitae Variant Classification Sherloc (09022015). Collection method: clinical testing. Allele origin: germline.
Comment: This variant has not been reported in the literature in individuals affected with GFAP-related conditions. Experimental studies and prediction algorithms are not available or were not evaluated, and the functional significance of this variant is currently unknown. In summary, the available evidence is currently insufficient to determine the role of this variant in disease. Therefore, it has been classified as a Variant of Uncertain Significance. This variant, c.363_371dup, results in the insertion of 3 amino acid(s) of the GFAP protein (p.Glu122_Arg124dup), but otherwise preserves the integrity of the reading frame. This variant is not present in population databases (gnomAD no frequency).